The following is an entry in ClinVar:

NM_006302.3(MOGS):c.784G>A (p.Val262Ile)

Gene: MOGS (mannosyl-oligosaccharide glucosidase; minus strand). Cytogenetic location: 2p13.1.
Variant type: single nucleotide variant.
Coding change: c.784G>A on transcript NM_006302.3 (MANE Select); coding-DNA position 784, G replaced by A.
Protein change: p.Val262Ile; replaces valine 262 with isoleucine.
Molecular consequence: missense variant.
Genome position (GRCh38, 1-based): chr2:74,463,005, C>T on the plus strand (G>A on the coding strand, the complement: MOGS is on the minus strand). VCF-style: chr2-74463005-C-T. GRCh37 (hg19) VCF-style: chr2-74690132-C-T.
Other names: c.466G>A, p.Val156Ile (NM_001146158.2); short protein forms V156I, V262I.
Identifiers: ClinVar variation 1440438 (VCV001440438.5), dbSNP rs1468341767, ClinGen allele CA347379341.

ClinVar aggregate classification (germline): Uncertain significance (1 of 4 stars; one submission).

Conditions:
MOGS-congenital disorder of glycosylation. Also called: GLUCOSIDASE I DEFICIENCY; CDG 2B; CDG IIb; MOGS-CDG. Identifiers: Orphanet 79330, MedGen C1853736, MONDO:0011629, OMIM 606056.

Allele frequency attached by ClinVar (database versions not stated): TOPMed below 0.00001; gnomAD 0.00001; gnomAD exomes 0.00001.

Submission:

Labcorp Genetics (formerly Invitae), Labcorp
Classification: Uncertain significance for MOGS-congenital disorder of glycosylation. Last evaluated: 2022-07-29. Review status: criteria provided, single submitter. Criteria: Invitae Variant Classification Sherloc (09022015). Collection method: clinical testing. Allele origin: germline.
Comment: This sequence change replaces valine, which is neutral and non-polar, with isoleucine, which is neutral and non-polar, at codon 262 of the MOGS protein (p.Val262Ile). This variant is present in population databases (no rsID available, gnomAD 0.0009%). This variant has not been reported in the literature in individuals affected with MOGS-related conditions. ClinVar contains an entry for this variant (Variation ID: 1440438). Algorithms developed to predict the effect of missense changes on protein structure and function output the following: SIFT: "Tolerated"; PolyPhen-2: "Benign"; Align-GVGD: "Class C0". The isoleucine amino acid residue is found in multiple mammalian species, which suggests that this missense change does not adversely affect protein function. In summary, the available evidence is currently insufficient to determine the role of this variant in disease. Therefore, it has been classified as a Variant of Uncertain Significance.